The following is an entry in ClinVar:

NM_022716.4(PRRX1):c.-13G>T

Gene: PRRX1 (paired related homeobox 1; plus strand). Cytogenetic location: 1q24.2.
Variant type: single nucleotide variant.
Coding change: c.-13G>T on transcript NM_022716.4 (MANE Select); 13 bases upstream of the start codon, G replaced by T.
Molecular consequence: 5 prime UTR variant.
Genome position (GRCh38, 1-based): chr1:170,664,206, G>T. VCF-style: chr1-170664206-G-T. GRCh37 (hg19) VCF-style: chr1-170633347-G-T.
Other names: c.-13G>T (NM_006902.5).
Identifiers: ClinVar variation 4537128 (VCV004537128.1).

ClinVar aggregate classification (germline): Uncertain significance (1 of 4 stars; one submission).

Submission:

Women's Health and Genetics/Laboratory Corporation of America, LabCorp
Classification: Uncertain significance. Last evaluated: 2025-11-03. Review status: criteria provided, single submitter. Criteria: LabCorp Variant Classification Summary - May 2015. Collection method: clinical testing. Allele origin: germline.
Comment: Variant summary: PRRX1 c.-13G>T is located in the untranslated mRNA region upstream of the initiation codon. The variant allele was found at a frequency of 4.3e-06 in 234188 control chromosomes. The available data on variant occurrences in the general population are insufficient to allow any conclusion about variant significance. To our knowledge, no occurrence of c.-13G>T in individuals affected with PRRX1-related conditions and no experimental evidence demonstrating its impact on protein function have been reported. No submitters have cited clinical-significance assessments for this variant to ClinVar. Based on the evidence outlined above, the variant was classified as uncertain significance.